The following is an entry in ClinVar:

NM_000135.4(FANCA):c.1389T>A (p.His463Gln)

Gene: FANCA (FA complementation group A; minus strand). Cytogenetic location: 16q24.3.
Variant type: single nucleotide variant.
Coding change: c.1389T>A on transcript NM_000135.4 (MANE Select); coding-DNA position 1389, T replaced by A.
Protein change: p.His463Gln; replaces histidine 463 with glutamine.
Molecular consequence: missense variant.
Genome position (GRCh38, 1-based): chr16:89,784,935, A>T on the plus strand (T>A on the coding strand, the complement: FANCA is on the minus strand). VCF-style: chr16-89784935-A-T. GRCh37 (hg19) VCF-style: chr16-89851343-A-T.
Other names: c.1389T>A, p.His463Gln (NM_001286167.3); short protein forms H463Q.
Identifiers: ClinVar variation 5036320 (VCV005036320.1).
Genomic context (GRCh38, chr16:89,784,935, plus strand): 5'-AAAAGGCACGAGTTCTGACAAGAACGTAAACAGGAAGACCAGGGCCTTCTTGCTGCAGCC[A>T]TGGTAGCCTCGTGTGCTCCCAAAGGAGGCCTGTGTGGAGAGAAGAGCGTGAAGCCCAGGA-3'
Protein context (NP_000126.2, residues 453-473): KASFGSTRGY[His463Gln]GCSKKALVFL

ClinVar aggregate classification (germline): Uncertain significance (1 of 4 stars; one submission).

Conditions:
Inborn genetic diseases. Identifiers: MedGen C0950123, MeSH D030342.

gnomAD v4.1: 1 of 1,614,152 alleles (0.000062%); no homozygotes.

Submission:

Ambry Genetics
Classification: Uncertain significance for Inborn genetic diseases. Last evaluated: 2026-06-24. Review status: criteria provided, single submitter. Criteria: Ambry Variant Classification Scheme 2023. Collection method: clinical testing. Allele origin: germline.
Comment: The p.H463Q variant (also known as c.1389T>A), located in coding exon 15 of the FANCA gene, results from a T to A substitution at nucleotide position 1389. The histidine at codon 463 is replaced by glutamine, an amino acid with highly similar properties. This amino acid position is conserved. In addition, this alteration is predicted to be deleterious by in silico analysis. Based on the available evidence, the clinical significance of this variant remains unclear.